The following is an entry in ClinVar:

NM_000316.3(PTH1R):c.1574C>A (p.Thr525Asn)

Gene: PTH1R (parathyroid hormone 1 receptor; plus strand). Cytogenetic location: 3p21.31.
Variant type: single nucleotide variant.
Coding change: c.1574C>A on transcript NM_000316.3 (MANE Select); coding-DNA position 1574, C replaced by A.
Protein change: p.Thr525Asn; replaces threonine 525 with asparagine.
Molecular consequence: missense variant.
Genome position (GRCh38, 1-based): chr3:46,903,448, C>A. VCF-style: chr3-46903448-C-A. GRCh37 (hg19) VCF-style: chr3-46944938-C-A.
Other names: c.1574C>A (NM_000316.2); c.1574C>A, p.Thr525Asn (NM_001184744.1); short protein forms T525N.
Identifiers: ClinVar variation 2885941 (VCV002885941.5), dbSNP rs1166772026, ClinGen allele CA352503854.
Genomic context (GRCh38, chr3:46,903,448, plus strand): 5'-TGACCAATGTCGGCCCCCGTGTGGGACTCGGCCTGCCCCTCAGCCCCCGCCTACTGCCCA[C>A]TGCCACCACCAACGGCCACCCTCAGCTGCCTGGCCATGCCAAGCCAGGGACCCCAGCCCT-3'
Protein context (NP_000307.1, residues 515-535): GLPLSPRLLP[Thr525Asn]ATTNGHPQLP

ClinVar aggregate classification (germline): Uncertain significance. Review status: criteria provided, multiple submitters, no conflicts (2 of 4 stars). 3 submissions from 3 submitters: Uncertain significance (3). Last evaluated 2024-10-07.

Conditions:
Primary failure of tooth eruption. Also called: DENTAL NONERUPTION; PRIMARY RETENTION OF TEETH; UNERUPTED SECOND PRIMARY MOLAR; POSTERIOR OPENBITE MALOCCLUSION, FAMILIAL. Identifiers: Orphanet 412206, MedGen C1852222, MONDO:0007434, OMIM 125350.
Chondrodysplasia Blomstrand type (BOCD). Identifiers: Orphanet 50945, MedGen C1859148, MONDO:0008970, OMIM 215045.
Eiken syndrome (EKNS). Also called: BONE MODELING DEFECT OF HANDS AND FEET. Identifiers: Orphanet 79106, MedGen C1838779, MONDO:0010803, OMIM 600002.
Metaphyseal chondrodysplasia, Jansen type. Also called: Metaphyseal chondrodysplasia Murk Jansen type; PTH1R-Related Jansen Metaphyseal Chondrodysplasia. Identifiers: Orphanet 33067, MedGen C0265295, MONDO:0007982, OMIM 156400.
Inborn genetic diseases. Identifiers: MedGen C0950123, MeSH D030342.

Allele frequency attached by ClinVar (database versions not stated): gnomAD 0.00001; TOPMed 0.00001.
gnomAD v4.1: 5 of 1,613,504 alleles (0.00031%); highest among the groups gnomAD compares: African/African-American, 0.0027%; no homozygotes.

Submissions (3):

Ambry Genetics
Classification: Uncertain significance for Inborn genetic diseases. Last evaluated: 2024-10-07. Review status: criteria provided, single submitter. Criteria: Ambry Variant Classification Scheme 2023. Collection method: clinical testing. Allele origin: germline.

Fulgent Genetics
Classification: Uncertain significance for Primary failure of tooth eruption; Metaphyseal chondrodysplasia, Jansen type; Chondrodysplasia Blomstrand type; Eiken syndrome. Last evaluated: 2024-05-13. Review status: criteria provided, single submitter. Criteria: ACMG Guidelines, 2015. Collection method: clinical testing. Allele origin: germline.

Labcorp Genetics (formerly Invitae), Labcorp
Classification: Uncertain significance. Last evaluated: 2023-08-17. Review status: criteria provided, single submitter. Criteria: Invitae Variant Classification Sherloc (09022015). Collection method: clinical testing. Allele origin: germline.
Comment: This sequence change replaces threonine, which is neutral and polar, with asparagine, which is neutral and polar, at codon 525 of the PTH1R protein (p.Thr525Asn). This variant is present in population databases (no rsID available, gnomAD 0.01%). This variant has not been reported in the literature in individuals affected with PTH1R-related conditions. An algorithm developed to predict the effect of missense changes on protein structure and function (PolyPhen-2) suggests that this variant is likely to be tolerated. In summary, the available evidence is currently insufficient to determine the role of this variant in disease. Therefore, it has been classified as a Variant of Uncertain Significance.